The following is an entry in ClinVar:

NM_000161.3(GCH1):c.*830A>T

Gene: GCH1 (GTP cyclohydrolase 1; minus strand). Cytogenetic location: 14q22.2.
Variant type: single nucleotide variant.
Coding change: c.*830A>T on transcript NM_000161.3 (MANE Select); 830 bases downstream of the stop codon, A replaced by T.
Molecular consequence: 3 prime UTR variant. On other transcripts: intron variant (3).
Genome position (GRCh38, 1-based): chr14:54,843,187, T>A on the plus strand (A>T on the coding strand, the complement: GCH1 is on the minus strand). VCF-style: chr14-54843187-T-A. GRCh37 (hg19) VCF-style: chr14-55309905-T-A.
Other names: c.627-133A>T (NM_001024071.2); c.*13-133A>T (NM_001024070.2); c.*17-133A>T (NM_001024024.2).
Identifiers: ClinVar variation 313376 (VCV000313376.5), dbSNP rs542811477, ClinGen allele CA10645460.

ClinVar aggregate classification (germline): Conflicting classifications of pathogenicity. Review status: criteria provided, conflicting classifications (1 of 4 stars). 2 submissions from 1 submitter: Uncertain significance (1); Benign (1). Last evaluated 2018-01-12.

Conditions:
GTP cyclohydrolase I deficiency. Identifiers: MedGen C0268467, MONDO:0100184.
Dystonia 5 (DRD). Also called: DYSTONIA, PROGRESSIVE, WITH DIURNAL VARIATION; DYSTONIA-PARKINSONISM WITH DIURNAL FLUCTUATION; Dystonia, DOPA-responsive, with or without hyperphenylalaninemia; GTP Cyclohydrolase 1-Deficient Dopa-Responsive Dystonia; DYT-GCH1. Identifiers: Orphanet 98808, MedGen C1851920, MONDO:0007495, OMIM 128230.

Allele frequency attached by ClinVar (database versions not stated): TOPMed 0.00127; 1000 Genomes Project 0.00140; 1000 Genomes Project 30x 0.00172.
gnomAD v4.1: 369 of 1,474,934 alleles (0.025%); highest among the groups gnomAD compares: African/African-American, 0.46%; 1 homozygote.

Submissions (2):

Illumina Laboratory Services, Illumina
Classification: Benign for Dystonia 5. Last evaluated: 2018-01-12. Review status: criteria provided, single submitter. Criteria: ICSL Variant Classification Criteria 13 December 2019. Collection method: clinical testing. Allele origin: germline.
Comment: This variant was observed in the ICSL laboratory as part of a predisposition screen in an ostensibly healthy population. It had not been previously curated by ICSL or reported in the Human Gene Mutation Database (HGMD: prior to June 1st, 2018), and was therefore a candidate for classification through an automated scoring system. Utilizing variant allele frequency, disease prevalence and penetrance estimates, and inheritance mode, an automated score was calculated to assess if this variant is too frequent to cause the disease. Based on the score and internal cut-off values, a variant classified as benign is not then subjected to further curation. The score for this variant resulted in a classification of benign for this disease.

Illumina Laboratory Services, Illumina
Classification: Uncertain significance for GTP cyclohydrolase I deficiency with hyperphenylalaninemia. Last evaluated: 2018-01-12. Review status: criteria provided, single submitter. Criteria: ICSL Variant Classification Criteria 13 December 2019. Collection method: clinical testing. Allele origin: germline.